The following is an entry in ClinVar:

ClinVar aggregate classification (germline): Conflicting classifications of pathogenicity. Review status: criteria provided, conflicting classifications (1 of 4 stars). 2 submissions from 2 submitters: Uncertain significance (1); Likely benign (1). Last evaluated 2025-10-14.

Conditions:
Cardiovascular phenotype. Identifiers: MedGen CN230736.
Anterior segment dysgenesis. Also called: Ocular anterior segment dysgenesis. Identifiers: Orphanet 88632, MedGen C1862839, MONDO:0019503, HP:0007700.
Congenital primary aphakia. Also called: ANTERIOR SEGMENT DYSGENESIS 2; Anterior segment dysgenesis 2, multiple subtypes. Identifiers: Orphanet 83461, MedGen C1853230, MONDO:0012456, OMIM 610256.

Submissions (2):

Labcorp Genetics (formerly Invitae), Labcorp
Classification: Uncertain significance for Anterior segment dysgenesis; Congenital primary aphakia. Last evaluated: 2025-10-14. Review status: criteria provided, single submitter. Criteria: Invitae Variant Classification Sherloc (09022015). Collection method: clinical testing. Allele origin: germline.
Comment: This sequence change affects codon 179 of the FOXE3 mRNA. It is a 'silent' change, meaning that it does not change the encoded amino acid sequence of the FOXE3 protein. This variant is present in population databases (no rsID available, gnomAD 0.01%). This variant has not been reported in the literature in individuals affected with FOXE3-related conditions. ClinVar contains an entry for this variant (Variation ID: 1747161). In summary, the available evidence is currently insufficient to determine the role of this variant in disease. Therefore, it has been classified as a Variant of Uncertain Significance.

Ambry Genetics
Classification: Likely benign for Cardiovascular phenotype. Last evaluated: 2022-06-02. Review status: criteria provided, single submitter. Criteria: Ambry Variant Classification Scheme 2023. Collection method: clinical testing. Allele origin: germline.

NM_012186.3(FOXE3):c.537G>T (p.Ala179=)

Genes: FOXE3 (forkhead box E3; plus strand), LINC01389 (long independently transcribed non-coding RNA 1389; minus strand). Cytogenetic location: 1p33.
Variant type: single nucleotide variant.
Coding change: c.537G>T on transcript NM_012186.3 (MANE Select); coding-DNA position 537, G replaced by T.
Protein change: p.Ala179=; no amino-acid change (alanine 179 retained).
Molecular consequence: synonymous variant.
Genome position (GRCh38, 1-based): chr1:47,416,852, G>T. VCF-style: chr1-47416852-G-T. GRCh37 (hg19) VCF-style: chr1-47882524-G-T.
Identifiers: ClinVar variation 1747161 (VCV001747161.3), dbSNP rs544902810, ClinGen allele CA417892573.